The following is an entry in ClinVar:

ClinVar aggregate classification (germline): Pathogenic. Review status: criteria provided, multiple submitters, no conflicts (2 of 4 stars). 5 submissions from 5 submitters: Pathogenic (3). 2 of the submissions do not count toward it. Last evaluated 2025-11-17.

Conditions:
Juberg-Hayward syndrome (JHS). Also called: OROCRANIODIGITAL SYNDROME; Cleft lip/palate with abnormal thumbs and microcephaly. Identifiers: Orphanet 2319, MedGen C0796099, MONDO:0008992, OMIM 216100.
Roberts-SC phocomelia syndrome (RBS). Also called: Hypomelia hypotrichosis facial hemangioma syndrome; LONG BONE DEFICIENCIES ASSOCIATED WITH CLEFT LIP-PALATE; Pseudothalidomide syndrome; Appelt-Gerken-Lenz syndrome; ESCO2 Spectrum Disorder. Identifiers: Orphanet 3103, MedGen C0392475, MONDO:0100253, OMIM 268300.

Allele frequency attached by ClinVar (database versions not stated): ExAC 0.00001; gnomAD exomes 0.00001.
gnomAD v4.1: 6 of 1,614,062 alleles (0.00037%); highest among the groups gnomAD compares: African/African-American, 0.0053%; no homozygotes.

Submissions (5):

Natera, Inc.
Classification: Pathogenic for Roberts syndrome. Last evaluated: 2025-11-17. Review status: criteria provided, single submitter. Criteria: Natera Variant Classification Schema (03/2026). Collection method: clinical testing. Allele origin: germline.
Comment: The c.505C>T variant in ESCO2 is a nonsense variant predicted to introduce a stop codon at amino acid 169. This variant is expected to result in nonsense mediated decay, truncation, or a dysfunctional protein product. This variant is rare in the general population with a frequency below the threshold expected for the associated phenotype(s). This variant has been observed in one or more individuals affected with the associated recessive disease, as either homozygous or compound heterozygous with a second variant (PMID: 15821733). Given the available evidence, this variant is classified as Pathogenic.

Fulgent Genetics
Classification: Pathogenic for Juberg-Hayward syndrome; Roberts-SC phocomelia syndrome. Last evaluated: 2024-04-04. Review status: criteria provided, single submitter. Criteria: ACMG Guidelines, 2015. Collection method: clinical testing. Allele origin: germline.

Labcorp Genetics (formerly Invitae), Labcorp
Classification: Pathogenic. Last evaluated: 2024-01-11. Review status: criteria provided, single submitter. Criteria: Invitae Variant Classification Sherloc (09022015). Collection method: clinical testing. Allele origin: germline.
Comment: This sequence change creates a premature translational stop signal (p.Arg169*) in the ESCO2 gene. It is expected to result in an absent or disrupted protein product. Loss-of-function variants in ESCO2 are known to be pathogenic (PMID: 15821733, 16380922). This variant is present in population databases (rs80359849, gnomAD 0.007%). This premature translational stop signal has been observed in individuals with Roberts syndrome (PMID: 15821733). ClinVar contains an entry for this variant (Variation ID: 1736). For these reasons, this variant has been classified as Pathogenic.

OMIM
Classification: Pathogenic for ROBERTS-SC PHOCOMELIA SYNDROME. Last evaluated: 2005-05-01. Review status: no assertion criteria provided. Collection method: literature only. Allele origin: germline. Not counted in ClinVar's aggregate classification.

GeneReviews
No classification provided. Condition: Roberts-SC phocomelia syndrome. Review status: no classification provided. Collection method: literature only. Allele origin: germline. Not counted in ClinVar's aggregate classification.

Literature cited by the submitters: PubMed 15821733 (cited by 4 submitters); PubMed 16380922 (cited by Labcorp Genetics (formerly Invitae), Labcorp); PubMed 20301332 (cited by GeneReviews).

NM_001017420.3(ESCO2):c.505C>T (p.Arg169Ter)

Gene: ESCO2 (establishment of sister chromatid cohesion N-acetyltransferase 2; plus strand). Cytogenetic location: 8p21.1.
Variant type: single nucleotide variant.
Coding change: c.505C>T on transcript NM_001017420.3 (MANE Select); coding-DNA position 505, C replaced by T.
Protein change: p.Arg169Ter; replaces arginine 169 with a stop codon.
Molecular consequence: nonsense.
Genome position (GRCh38, 1-based): chr8:27,776,813, C>T. VCF-style: chr8-27776813-C-T. GRCh37 (hg19) VCF-style: chr8-27634330-C-T.
Other names: short protein forms R169*.
Identifiers: ClinVar variation 1736 (VCV000001736.12), dbSNP rs80359849, ClinGen allele CA339904.